The following is an entry in ClinVar:

NM_004369.4(COL6A3):c.5428G>C (p.Glu1810Gln)

Gene: COL6A3 (collagen type VI alpha 3 chain; minus strand). Cytogenetic location: 2q37.3.
Variant type: single nucleotide variant.
Coding change: c.5428G>C on transcript NM_004369.4 (MANE Select); coding-DNA position 5428, G replaced by C.
Protein change: p.Glu1810Gln; replaces glutamic acid 1810 with glutamine.
Molecular consequence: missense variant.
Genome position (GRCh38, 1-based): chr2:237,366,759, C>G on the plus strand (G>C on the coding strand, the complement: COL6A3 is on the minus strand). VCF-style: chr2-237366759-C-G. GRCh37 (hg19) VCF-style: chr2-238275402-C-G.
Other names: c.3607G>C, p.Glu1203Gln (NM_057166.5); c.4810G>C, p.Glu1604Gln (NM_057167.4); short protein forms E1810Q, E1203Q, E1604Q.
Identifiers: ClinVar variation 947296 (VCV000947296.10), dbSNP rs1463075616, ClinGen allele CA351187454.

ClinVar aggregate classification (germline): Uncertain significance (1 of 4 stars; one submission).

Conditions:
Bethlem myopathy 1A. Also called: Bethlem Muscular Dystrophy; MYOPATHY, BENIGN CONGENITAL, WITH CONTRACTURES; Bethlem myopathy 1. Identifiers: Orphanet 610, MedGen CN029274, MONDO:0024530, OMIM 158810.

gnomAD v4.1: 5 of 1,614,254 alleles (0.00031%); highest among the groups gnomAD compares: Non-Finnish European, 0.00042%; no homozygotes.

Submission:

Labcorp Genetics (formerly Invitae), Labcorp
Classification: Uncertain significance for Bethlem myopathy 1A. Last evaluated: 2020-02-05. Review status: criteria provided, single submitter. Criteria: Invitae Variant Classification Sherloc (09022015). Collection method: clinical testing. Allele origin: germline.
Comment: In summary, the available evidence is currently insufficient to determine the role of this variant in disease. Therefore, it has been classified as a Variant of Uncertain Significance. Algorithms developed to predict the effect of missense changes on protein structure and function are either unavailable or do not agree on the potential impact of this missense change (SIFT: "Tolerated"; PolyPhen-2: "Probably Damaging"; Align-GVGD: "Class C0"). This variant has not been reported in the literature in individuals with COL6A3-related conditions. This variant is not present in population databases (ExAC no frequency). This sequence change replaces glutamic acid with glutamine at codon 1810 of the COL6A3 protein (p.Glu1810Gln). The glutamic acid residue is moderately conserved and there is a small physicochemical difference between glutamic acid and glutamine.